The following is an entry in ClinVar:

NM_002878.4(RAD51D):c.259G>A (p.Gly87Ser)

Genes: RAD51D (RAD51 paralog D; minus strand), RAD51L3-RFFL (RAD51L3-RFFL readthrough; minus strand). Cytogenetic location: 17q12.
Variant type: single nucleotide variant.
Coding change: c.259G>A on transcript NM_002878.4 (MANE Select); coding-DNA position 259, G replaced by A.
Protein change: p.Gly87Ser; replaces glycine 87 with serine.
Molecular consequence: missense variant. On other transcripts: intron variant (2).
Genome position (GRCh38, 1-based): chr17:35,118,505, C>T on the plus strand (G>A on the coding strand, the complement: RAD51D is on the minus strand). VCF-style: chr17-35118505-C-T. GRCh37 (hg19) VCF-style: chr17-33445524-C-T.
Other names: c.144+606G>A (NM_133629.3, NM_001142571.2); short protein forms G87S.
Identifiers: ClinVar variation 472594 (VCV000472594.23), dbSNP rs767681165, ClinGen allele CA8499619.
Genomic context (GRCh38, chr17:35,118,505, plus strand): 5'-GAGAGGAGGCCCCATCCTCCTGCCTCTCTCCTTCTTCCCCAAGTACACACACAAACCTGC[C>T]AATGCCAGTGGACAGGATGGCAGTGGAGGTCTTCAGTTCCTCGTAGAGATCAGCGCCATT-3'
Protein context (NP_002869.3, residues 77-97): TSTAILSTGI[Gly87Ser]SLDKLLDAGL

ClinVar aggregate classification (germline): Uncertain significance. Review status: criteria provided, multiple submitters, no conflicts (2 of 4 stars). 5 submissions from 5 submitters: Uncertain significance (5). Last evaluated 2025-09-28.

Conditions:
Hereditary cancer-predisposing syndrome. Also called: Neoplastic Syndromes, Hereditary; Tumor predisposition; Hereditary Cancer Syndrome; Hereditary neoplastic syndrome. Identifiers: Orphanet 140162, MedGen C0027672, MeSH D009386, MONDO:0015356.
Breast-ovarian cancer, familial, susceptibility to, 4. Identifiers: Orphanet 145, MedGen C3280345, MONDO:0013669, OMIM 614291.

Allele frequency attached by ClinVar (database versions not stated): gnomAD exomes below 0.00001; ExAC 0.00001.
gnomAD v4.1: 1 of 1,613,750 alleles (0.000062%); highest among the groups gnomAD compares: Non-Finnish European, 0.000085%; no homozygotes.

Submissions (5):

Labcorp Genetics (formerly Invitae), Labcorp
Classification: Uncertain significance for Breast-ovarian cancer, familial, susceptibility to, 4. Last evaluated: 2025-09-28. Review status: criteria provided, single submitter. Criteria: Invitae Variant Classification Sherloc (09022015). Collection method: clinical testing. Allele origin: germline.
Comment: This sequence change replaces glycine, which is neutral and non-polar, with serine, which is neutral and polar, at codon 87 of the RAD51D protein (p.Gly87Ser). This variant is not present in population databases (gnomAD no frequency). This variant has not been reported in the literature in individuals affected with RAD51D-related conditions. ClinVar contains an entry for this variant (Variation ID: 472594). Invitae Evidence Modeling of protein sequence and biophysical properties (such as structural, functional, and spatial information, amino acid conservation, physicochemical variation, residue mobility, and thermodynamic stability) indicates that this missense variant is not expected to disrupt RAD51D protein function with a negative predictive value of 80%. In summary, the available evidence is currently insufficient to determine the role of this variant in disease. Therefore, it has been classified as a Variant of Uncertain Significance.

Ambry Genetics
Classification: Uncertain significance for Hereditary cancer-predisposing syndrome. Last evaluated: 2024-04-19. Review status: criteria provided, single submitter. Criteria: Ambry Variant Classification Scheme 2023. Collection method: clinical testing. Allele origin: germline.
Comment: The p.G87S variant (also known as c.259G>A), located in coding exon 3 of the RAD51D gene, results from a G to A substitution at nucleotide position 259. The glycine at codon 87 is replaced by serine, an amino acid with similar properties. This amino acid position is not well conserved in available vertebrate species. In addition, this alteration is predicted to be tolerated by in silico analysis. Since supporting evidence is limited at this time, the clinical significance of this alteration remains unclear.

Color Diagnostics, LLC DBA Color Health
Classification: Uncertain significance for Hereditary cancer-predisposing syndrome. Last evaluated: 2024-03-06. Review status: criteria provided, single submitter. Criteria: ACMG Guidelines, 2015. Collection method: clinical testing. Allele origin: germline.
Comment: This missense variant replaces glycine with serine at codon 87 of the RAD51D protein. Computational prediction suggests that this variant may not impact protein structure and function (internally defined REVEL score threshold <= 0.5, PMID: 27666373). To our knowledge, functional studies have not been reported for this variant. This variant has not been reported in individuals affected with hereditary cancer in the literature. This variant has been identified in 1/251458 chromosomes in the general population by the Genome Aggregation Database (gnomAD). The available evidence is insufficient to determine the role of this variant in disease conclusively. Therefore, this variant is classified as a Variant of Uncertain Significance.

Baylor Genetics
Classification: Uncertain significance for Breast-ovarian cancer, familial, susceptibility to, 4. Last evaluated: 2023-09-11. Review status: criteria provided, single submitter. Criteria: ACMG Guidelines, 2015. Collection method: clinical testing. Allele origin: unknown.

GeneDx
Classification: Uncertain significance. Last evaluated: 2023-02-27. Review status: criteria provided, single submitter. Criteria: GeneDx Variant Classification Process June 2021. Collection method: clinical testing. Allele origin: germline. Affected: yes.
Comment: Not observed at significant frequency in large population cohorts (gnomAD); In silico analysis supports that this missense variant does not alter protein structure/function; Has not been previously published as pathogenic or benign to our knowledge; This variant is associated with the following publications: (PMID: 14704354, 21111057)